The following is an entry in ClinVar:

NM_001368397.1(FRMPD4):c.2877C>A (p.Pro959=)

Gene: FRMPD4 (FERM and PDZ domain containing 4; plus strand). Cytogenetic location: Xp22.2.
Variant type: single nucleotide variant.
Coding change: c.2877C>A on transcript NM_001368397.1 (MANE Select); coding-DNA position 2877, C replaced by A.
Protein change: p.Pro959=; no amino-acid change (proline 959 retained).
Molecular consequence: synonymous variant.
Genome position (GRCh38, 1-based): chrX:12,717,703, C>A. VCF-style: chrX-12717703-C-A. GRCh37 (hg19) VCF-style: chrX-12735822-C-A.
Other names: c.2988C>A, p.Pro996= (NM_001368395.3, NM_001368398.3); c.2883C>A, p.Pro961= (NM_001368396.3); c.2868C>A, p.Pro956= (NM_001368399.3); c.2757C>A, p.Pro919= (NM_001368400.3); c.2853C>A, p.Pro951= (NM_001368401.1, NM_001368402.3); c.2877C>A, p.Pro959= (NM_014728.3).
Identifiers: ClinVar variation 4873027 (VCV004873027.2).

ClinVar aggregate classification (germline): Likely benign (1 of 4 stars; one submission).

Submission:

CeGaT Center for Human Genetics Tuebingen
Classification: Likely benign. Last evaluated: 2026-05-01. Review status: criteria provided, single submitter. Criteria: CeGaT Center For Human Genetics Tuebingen Variant Classification Criteria Version 2. Collection method: clinical testing. Allele origin: germline. Affected: yes. Observed: 1 variant allele.
Comment: FRMPD4: PM2:Supporting, BP4, BP7